The following is an entry in ClinVar:

ClinVar aggregate classification (germline): Uncertain significance (1 of 4 stars; one submission).

Submission:

Labcorp Genetics (formerly Invitae), Labcorp
Classification: Uncertain significance. Last evaluated: 2023-04-15. Review status: criteria provided, single submitter. Criteria: Invitae Variant Classification Sherloc (09022015). Collection method: clinical testing. Allele origin: unknown.
Comment: In summary, the available evidence is currently insufficient to determine the role of this variant in disease. Therefore, it has been classified as a Variant of Uncertain Significance. This variant has not been reported in the literature in individuals affected with ALPK1-related conditions. This variant results in a copy number gain of the genomic region encompassing exon(s) 5-16 of the ALPK1 gene. This region includes the termination codon of the gene. This copy number gain extends beyond the assayed region for this gene and therefore may encompass additional genes. As the precise location of this event is unknown, it may be in tandem or it may be located elsewhere in the genome.

NC_000004.11:g.(?_113332963)_(113362366_?)dup

Gene: ALPK1 (alpha kinase 1; plus strand). Cytogenetic location: 4q25.
Variant type: Duplication.
Identifiers: ClinVar variation 3246714 (VCV003246714.1).